The following is an entry in ClinVar:

NM_005751.5(AKAP9):c.480G>A (p.Met160Ile)

Gene: AKAP9 (A-kinase anchoring protein 9; plus strand). Cytogenetic location: 7q21.2.
Variant type: single nucleotide variant.
Coding change: c.480G>A on transcript NM_005751.5 (MANE Select); coding-DNA position 480, G replaced by A.
Protein change: p.Met160Ile; replaces methionine 160 with isoleucine.
Molecular consequence: missense variant.
Genome position (GRCh38, 1-based): chr7:91,992,959, G>A. VCF-style: chr7-91992959-G-A. GRCh37 (hg19) VCF-style: chr7-91622273-G-A.
Other names: c.480G>A, p.Met160Ile (NM_147185.3); short protein forms M160I.
Identifiers: ClinVar variation 1743260 (VCV001743260.5), dbSNP rs1470232952, ClinGen allele CA368119490.
Genomic context (GRCh38, chr7:91,992,959, plus strand): 5'-TGTTGATGATTCTTATTCTGAACAAGGAGCACAAGACAGTCCGACTCATCTAGAGATGAT[G>A]GAAAGTGAGTTGGCTGGGAAGCAGCATGAGATTGAAGAGCTAAACAGAGAGCTGGAAGAA-3'
Protein context (NP_005742.4, residues 150-170): AQDSPTHLEM[Met160Ile]ESELAGKQHE

ClinVar aggregate classification (germline): Uncertain significance. Review status: criteria provided, multiple submitters, no conflicts (2 of 4 stars). 2 submissions from 2 submitters: Uncertain significance (2). Last evaluated 2025-04-06.

Conditions:
Long QT syndrome (LQTS). Identifiers: MedGen C0023976, MeSH D008133, MONDO:0002442. Disease mechanism: loss of function. Inheritance: Various modes of inheritance.
Cardiovascular phenotype. Identifiers: MedGen CN230736.

Allele frequency attached by ClinVar (database versions not stated): gnomAD exomes below 0.00001.

Submissions (2):

Ambry Genetics
Classification: Uncertain significance for Cardiovascular phenotype. Last evaluated: 2025-04-06. Review status: criteria provided, single submitter. Criteria: Ambry Variant Classification Scheme 2023. Collection method: clinical testing. Allele origin: germline.

Labcorp Genetics (formerly Invitae), Labcorp
Classification: Uncertain significance for Long QT syndrome. Last evaluated: 2024-02-05. Review status: criteria provided, single submitter. Criteria: Invitae Variant Classification Sherloc (09022015). Collection method: clinical testing. Allele origin: germline.
Comment: This sequence change replaces methionine, which is neutral and non-polar, with isoleucine, which is neutral and non-polar, at codon 160 of the AKAP9 protein (p.Met160Ile). This variant is present in population databases (no rsID available, gnomAD 0.006%). This variant has not been reported in the literature in individuals affected with AKAP9-related conditions. ClinVar contains an entry for this variant (Variation ID: 1743260). Algorithms developed to predict the effect of missense changes on protein structure and function output the following: SIFT: "Not Available"; PolyPhen-2: "Benign"; Align-GVGD: "Not Available". The isoleucine amino acid residue is found in multiple mammalian species, which suggests that this missense change does not adversely affect protein function. In summary, the available evidence is currently insufficient to determine the role of this variant in disease. Therefore, it has been classified as a Variant of Uncertain Significance.